The following is an entry in ClinVar:

ClinVar aggregate classification (germline): Uncertain significance. Review status: criteria provided, single submitter (1 of 4 stars). 2 submissions from 2 submitters: Uncertain significance (1). 1 of the submissions does not count toward it. Last evaluated 2018-01-12.

Conditions:
HOXA2-related disorder. Also called: HOXA2-related condition.
Bilateral microtia-deafness-cleft palate syndrome. Identifiers: Orphanet 140963, MedGen C2676772, MONDO:0012854, OMIM 612290.

Allele frequency attached by ClinVar (database versions not stated): ExAC 0.00001; gnomAD 0.00001; gnomAD exomes 0.00001; TOPMed 0.00002; ESP Exome Variant Server 0.00008.

Submissions (2):

Illumina Laboratory Services, Illumina
Classification: Uncertain significance for Bilateral microtia-deafness-cleft palate syndrome. Last evaluated: 2018-01-12. Review status: criteria provided, single submitter. Criteria: ICSL Variant Classification Criteria 13 December 2019. Collection method: clinical testing. Allele origin: germline.

PreventionGenetics, part of Exact Sciences
Classification: Uncertain significance for HOXA2-related condition. Last evaluated: 2024-08-19. Review status: no assertion criteria provided. Collection method: clinical testing. Allele origin: germline. Not counted in ClinVar's aggregate classification.
Comment: The HOXA2 c.15T>A variant is predicted to result in the amino acid substitution p.Phe5Leu. To our knowledge, this variant has not been reported in the literature. This variant is reported in 0.0029% of alleles in individuals of Latino descent in gnomAD. At this time, the clinical significance of this variant is uncertain due to the absence of conclusive functional and genetic evidence.

NM_006735.4(HOXA2):c.15T>A (p.Phe5Leu)

Gene: HOXA2 (homeobox A2; minus strand). Cytogenetic location: 7p15.2.
Variant type: single nucleotide variant.
Coding change: c.15T>A on transcript NM_006735.4 (MANE Select); coding-DNA position 15, T replaced by A.
Protein change: p.Phe5Leu; replaces phenylalanine 5 with leucine.
Molecular consequence: missense variant.
Genome position (GRCh38, 1-based): chr7:27,102,486, A>T on the plus strand (T>A on the coding strand, the complement: HOXA2 is on the minus strand). VCF-style: chr7-27102486-A-T. GRCh37 (hg19) VCF-style: chr7-27142105-A-T.
Other names: short protein forms F5L.
Identifiers: ClinVar variation 909469 (VCV000909469.5), dbSNP rs377592897, ClinGen allele CA4196317.
Genomic context (GRCh38, chr7:27,102,486, plus strand): 5'-AAAAGATGTCAGGCACTCAGCGAGCGACGGCTGGCTATTGATAAAACCAATCTCTCGCTC[A>T]AATTCGTAATTCATGGCCTTCTCCTTGGAGCCCCCTCAGAGAAAAAGTTCCCTCTTTTGG-3'
Protein context (NP_006726.1, residues 1-15): MNYE[Phe5Leu]EREIGFINSQ